The following is an entry in ClinVar:

ClinVar aggregate classification (germline): Uncertain significance (1 of 4 stars; one submission).

Submission:

Labcorp Genetics (formerly Invitae), Labcorp
Classification: Uncertain significance. Last evaluated: 2025-11-28. Review status: criteria provided, single submitter. Criteria: Invitae Variant Classification Sherloc (09022015). Collection method: clinical testing. Allele origin: germline.
Comment: This sequence change falls in intron 4 of the HK1 gene. It does not directly change the encoded amino acid sequence of the HK1 protein. It affects a nucleotide within the consensus splice site. This variant is not present in population databases (gnomAD no frequency). This variant has not been reported in the literature in individuals affected with HK1-related conditions. Variants that disrupt the consensus splice site are a relatively common cause of aberrant splicing (PMID: 17576681, 9536098). Algorithms developed to predict the effect of sequence changes on RNA splicing suggest that this variant is not likely to affect RNA splicing. In summary, the available evidence is currently insufficient to determine the role of this variant in disease. Therefore, it has been classified as a Variant of Uncertain Significance.

Literature cited by the submitters: PubMed 17576681; PubMed 9536098.

NM_000188.3(HK1):c.495+4A>C

Gene: HK1 (hexokinase 1; plus strand). Cytogenetic location: 10q22.1.
Variant type: single nucleotide variant.
Coding change: c.495+4A>C on transcript NM_000188.3 (MANE Select); 4 bases into the intron after coding-DNA position 495, A replaced by C.
Molecular consequence: intron variant.
Genome position (GRCh38, 1-based): chr10:69,364,906, A>C. VCF-style: chr10-69364906-A-C. GRCh37 (hg19) VCF-style: chr10-71124662-A-C.
Other names: c.129+4A>C (NM_001441149.1); c.486+4A>C (NM_001441140.1); c.411+4A>C (NM_001441143.1, NM_001322366.1); c.453+4A>C (NM_001441142.1); c.459+4A>C (NM_033500.2); c.600+4A>C (NM_001322365.2); c.507+4A>C (NM_033498.3, NM_033497.3, NM_001322364.2 and 1 more transcripts); c.492+4A>C (NM_033496.3); and 6 more.
Identifiers: ClinVar variation 4781243 (VCV004781243.1).